The following is an entry in ClinVar:

ClinVar aggregate classification (germline): Uncertain significance (1 of 4 stars; one submission).

Allele frequency attached by ClinVar (database versions not stated): gnomAD exomes below 0.00001.
gnomAD v4.1: 1 of 1,612,892 alleles (0.000062%); highest among the groups gnomAD compares: South Asian, 0.0011%; no homozygotes.

Submission:

Labcorp Genetics (formerly Invitae), Labcorp
Classification: Uncertain significance. Last evaluated: 2020-03-05. Review status: criteria provided, single submitter. Criteria: Invitae Variant Classification Sherloc (09022015). Collection method: clinical testing. Allele origin: germline.
Comment: In summary, the available evidence is currently insufficient to determine the role of this variant in disease. Therefore, it has been classified as a Variant of Uncertain Significance. Algorithms developed to predict the effect of missense changes on protein structure and function (SIFT, PolyPhen-2, Align-GVGD) all suggest that this variant is likely to be disruptive, but these predictions have not been confirmed by published functional studies and their clinical significance is uncertain. This variant has been observed in individual(s) with retinal disease (PMID: Invitae). This variant is not present in population databases (ExAC no frequency). This sequence change replaces serine with phenylalanine at codon 745 of the RP1 protein (p.Ser745Phe). The serine residue is moderately conserved and there is a large physicochemical difference between serine and phenylalanine.

NM_006269.2(RP1):c.2234C>T (p.Ser745Phe)

Gene: RP1 (RP1 axonemal microtubule associated; plus strand). Cytogenetic location: 8q12.1.
Variant type: single nucleotide variant.
Coding change: c.2234C>T on transcript NM_006269.2 (MANE Select); coding-DNA position 2234, C replaced by T.
Protein change: p.Ser745Phe; replaces serine 745 with phenylalanine.
Molecular consequence: missense variant. On other transcripts: intron variant (1).
Genome position (GRCh38, 1-based): chr8:54,626,116, C>T. VCF-style: chr8-54626116-C-T. GRCh37 (hg19) VCF-style: chr8-55538676-C-T.
Other names: c.787+3828C>T (NM_001375654.1); short protein forms S745F.
Identifiers: ClinVar variation 1036188 (VCV001036188.9), dbSNP rs1348070550, ClinGen allele CA370993091.